The following is an entry in ClinVar:

ClinVar aggregate classification (germline): Benign. Review status: reviewed by expert panel (3 of 4 stars). 2 submissions from 2 submitters: Benign (1). 1 of the submissions does not count toward it. Last evaluated 2023-08-08.

Conditions:
Hereditary cancer-predisposing syndrome. Also called: Tumor predisposition; Hereditary neoplastic syndrome; Neoplastic Syndromes, Hereditary; Hereditary Cancer Syndrome. Identifiers: Orphanet 140162, MedGen C0027672, MeSH D009386, MONDO:0015356.
CDH1-related diffuse gastric and lobular breast cancer syndrome. Also called: CDH1-related diffuse gastric and lobular breast cancer. Identifiers: MedGen CN311521, MONDO:0100488.

Allele frequency attached by ClinVar (database versions not stated): gnomAD exomes 0.00012; 1000 Genomes Project 0.00240; 1000 Genomes Project 30x 0.00250; gnomAD 0.00279 and 0.00304; TOPMed 0.00296.
gnomAD v4.1: 431 of 247,194 alleles (0.17%); highest among the groups gnomAD compares: African/African-American, 0.96%; 2 homozygotes.

Submissions (2):

Clingen Gastric Cancer Variant Curation Expert Panel
Classification: Benign for CDH1-related diffuse gastric and lobular breast cancer syndrome. Last evaluated: 2023-08-08. Review status: reviewed by expert panel. Criteria: ClinGen CDH1 ACMG Specifications V3.1. Collection method: curation. Allele origin: germline. Inheritance: Autosomal dominant inheritance.
Comment: The c.1937-423G>A variant is an intronic variant within intron 12. The variant has an allele frequency of 0.00289 (89/30842) in gnomAD (BA1). The allele is observed exclusively in the African subpopulation, with a frequency of 0.01022 (89/8708) and including one homozygote, suggesting that it may be a polymorphism in this population. In summary, this variant meets criteria to be classified as benign based on the ACMG/AMP criteria applied as specified by the CDH1 Variant Curation Expert Panel (Variant Interpretation Guidelines Version 3.1): BA1.

University of Washington Department of Laboratory Medicine, University of Washington
Classification: Likely benign for Hereditary cancer-predisposing syndrome. Last evaluated: 2015-12-01. Review status: no assertion criteria provided. Collection method: clinical testing. Allele origin: germline. Affected: yes. Not counted in ClinVar's aggregate classification.

NM_004360.5(CDH1):c.1937-423G>A

Gene: CDH1 (cadherin 1; plus strand). Cytogenetic location: 16q22.1.
Variant type: single nucleotide variant.
Coding change: c.1937-423G>A on transcript NM_004360.5 (MANE Select); 423 bases into the intron before coding-DNA position 1937, G replaced by A.
Molecular consequence: intron variant.
Genome position (GRCh38, 1-based): chr16:68,822,976, G>A. VCF-style: chr16-68822976-G-A. GRCh37 (hg19) VCF-style: chr16-68856879-G-A.
Other names: c.389-423G>A (NM_001317185.2); c.-29-423G>A (NM_001317186.2); c.1754-423G>A (NM_001317184.2).
Identifiers: ClinVar variation 223658 (VCV000223658.4), dbSNP rs144719031, ClinGen allele CA277563.
Genomic context (GRCh38, chr16:68,822,976, plus strand): 5'-TTTGGATCTTCATGCCTTGGGTTCCACCTGCACAGACCCCCATATCTGTGACTTCCTGGA[G>A]AGCCACTTCCTAGATGAAAAAGTAAAACTCATCAAGAAGATAGGTGACCACCTGACCAAC-3'